The following is an entry in ClinVar:

ClinVar aggregate classification (germline): Likely benign. Review status: criteria provided, multiple submitters, no conflicts (2 of 4 stars). 2 submissions from 2 submitters: Likely benign (2). Last evaluated 2022-11-01.

Conditions:
Inborn genetic diseases. Identifiers: MedGen C0950123, MeSH D030342.

Submissions (2):

CeGaT Center for Human Genetics Tuebingen
Classification: Likely benign. Last evaluated: 2022-11-01. Review status: criteria provided, single submitter. Criteria: CeGaT Center For Human Genetics Tuebingen Variant Classification Criteria Version 2. Collection method: clinical testing. Allele origin: germline. Affected: yes. Observed: 7 variant alleles.
Comment: CACNA1A: BP4, BP7

Ambry Genetics
Classification: Likely benign for Inborn genetic diseases. Last evaluated: 2019-11-16. Review status: criteria provided, single submitter. Criteria: Ambry Variant Classification Scheme 2023. Collection method: clinical testing. Allele origin: germline.

NM_001127222.2(CACNA1A):c.6663G>C (p.Pro2221=)

Gene: CACNA1A (calcium voltage-gated channel subunit alpha1 A; minus strand). Cytogenetic location: 19p13.13.
Variant type: single nucleotide variant.
Coding change: c.6663G>C on transcript NM_001127222.2 (MANE Select); coding-DNA position 6663, G replaced by C.
Protein change: p.Pro2221=; no amino-acid change (proline 2221 retained).
Molecular consequence: synonymous variant.
Genome position (GRCh38, 1-based): chr19:13,208,873, C>G on the plus strand (G>C on the coding strand, the complement: CACNA1A is on the minus strand). VCF-style: chr19-13208873-C-G. GRCh37 (hg19) VCF-style: chr19-13319687-C-G.
Other names: c.6681G>C, p.Pro2227= (NM_000068.4, NM_023035.3); c.6666G>C, p.Pro2222= (NM_001127221.2); c.6672G>C, p.Pro2224= (NM_001174080.2).
Identifiers: ClinVar variation 1754755 (VCV001754755.31), dbSNP rs1447103387, ClinGen allele CA505659238.